The following is an entry in ClinVar:

NM_007294.4(BRCA1):c.4367C>T (p.Thr1456Ile)

Gene: BRCA1 (BRCA1 DNA repair associated; minus strand). Cytogenetic location: 17q21.31.
Variant type: single nucleotide variant.
Coding change: c.4367C>T on transcript NM_007294.4 (MANE Select); coding-DNA position 4367, C replaced by T.
Protein change: p.Thr1456Ile; replaces threonine 1456 with isoleucine.
Molecular consequence: missense variant. On other transcripts: non-coding transcript variant (1).
Genome position (GRCh38, 1-based): chr17:43,076,605, G>A on the plus strand (C>T on the coding strand, the complement: BRCA1 is on the minus strand). VCF-style: chr17-43076605-G-A. GRCh37 (hg19) VCF-style: chr17-41228622-G-A.
Other names: c.1121C>T, p.Thr374Ile (NM_001407972.1); c.1058C>T, p.Thr353Ile (NM_001407973.1, NM_001407974.1, NM_001407976.1 and 3 more transcripts); c.1055C>T, p.Thr352Ile (NM_001407979.1, NM_001407980.1, NM_001407981.1 and 13 more transcripts); c.4154C>T, p.Thr1385Ile (NM_001407571.1, NM_001407894.1, NM_001407895.1 and 12 more transcripts); c.4433C>T, p.Thr1478Ile (NM_001407581.1, NM_001407582.1); c.4430C>T, p.Thr1477Ile (NM_001407583.1, NM_001407585.1, NM_001407587.1 and 1 more transcripts); c.4427C>T, p.Thr1476Ile (NM_001407590.1, NM_001407591.1); c.4367C>T, p.Thr1456Ile (NM_001407593.1, NM_001407594.1, NM_001407596.1 and 8 more transcripts); and 68 more; short protein forms T1456I, T1477I, T1409I, T352I, T1328I, T1343I, T1345I, T1387I.
Identifiers: ClinVar variation 863784 (VCV000863784.38), dbSNP rs2052745199, ClinGen allele CA10592804.

ClinVar aggregate classification (germline): Uncertain significance. Review status: criteria provided, multiple submitters, no conflicts (2 of 4 stars). 3 submissions from 3 submitters: Uncertain significance (3). Last evaluated 2021-11-01.

Conditions:
Hereditary cancer-predisposing syndrome. Also called: Hereditary Cancer Syndrome; Tumor predisposition; Neoplastic Syndromes, Hereditary; Hereditary neoplastic syndrome. Identifiers: Orphanet 140162, MedGen C0027672, MeSH D009386, MONDO:0015356.
Hereditary breast ovarian cancer syndrome. Also called: Hereditary breast and ovarian cancer syndrome; Hereditary breast and/or ovarian cancer syndrome; Hereditary breast and ovarian cancer syndrome (HBOC); Breast and ovarian cancer; Hereditary breast and ovarian cancer; BRCA1- and BRCA2-Associated Hereditary Breast and Ovarian Cancer. Identifiers: Orphanet 145, MedGen C0677776, MeSH D061325, MONDO:0003582. Disease mechanism: loss of function.

Submissions (3):

Genetics Program, Instituto Nacional de Cancer
Classification: Uncertain significance for Hereditary breast ovarian cancer syndrome. Last evaluated: 2021-11-01. Review status: criteria provided, single submitter. Criteria: ACMG Guidelines, 2015. Collection method: research. Allele origin: germline. Affected: yes.

Ambry Genetics
Classification: Uncertain significance for Hereditary cancer-predisposing syndrome. Last evaluated: 2020-07-09. Review status: criteria provided, single submitter. Criteria: Ambry Variant Classification Scheme 2023. Collection method: clinical testing. Allele origin: germline.
Comment: The p.T1456I variant (also known as c.4367C>T), located in coding exon 12 of the BRCA1 gene, results from a C to T substitution at nucleotide position 4367. The threonine at codon 1456 is replaced by isoleucine, an amino acid with similar properties. This amino acid position is highly conserved in available vertebrate species. In addition, the in silico prediction for this alteration is inconclusive. Since supporting evidence is limited at this time, the clinical significance of this alteration remains unclear.

Labcorp Genetics (formerly Invitae), Labcorp
Classification: Uncertain significance for Hereditary breast ovarian cancer syndrome. Last evaluated: 2019-11-18. Review status: criteria provided, single submitter. Criteria: Invitae Variant Classification Sherloc (09022015). Collection method: clinical testing. Allele origin: germline.
Comment: This sequence change replaces threonine with isoleucine at codon 1456 of the BRCA1 protein (p.Thr1456Ile). The threonine residue is moderately conserved and there is a moderate physicochemical difference between threonine and isoleucine. This variant is not present in population databases (ExAC no frequency). This variant has not been reported in the literature in individuals with BRCA1-related conditions. Algorithms developed to predict the effect of missense changes on protein structure and function are either unavailable or do not agree on the potential impact of this missense change (SIFT: "Deleterious"; PolyPhen-2: "Benign"; Align-GVGD: "Class C0"). In summary, the available evidence is currently insufficient to determine the role of this variant in disease. Therefore, it has been classified as a Variant of Uncertain Significance.

Literature cited by the submitters: PubMed 36329109 (cited by Genetics Program, Instituto Nacional de Cancer).